The following is an entry in ClinVar:

ClinVar aggregate classification (germline): Uncertain significance (1 of 4 stars; one submission).

Allele frequency attached by ClinVar (database versions not stated): gnomAD 0.00002; gnomAD exomes 0.00004 and 0.00001; TOPMed 0.00005; ExAC 0.00002; ESP Exome Variant Server 0.00008.
gnomAD v4.1: 23 of 1,611,470 alleles (0.0014%); highest among the groups gnomAD compares: East Asian, 0.016%; no homozygotes.

Submission:

Labcorp Genetics (formerly Invitae), Labcorp
Classification: Uncertain significance. Last evaluated: 2022-06-04. Review status: criteria provided, single submitter. Criteria: Invitae Variant Classification Sherloc (09022015). Collection method: clinical testing. Allele origin: germline.
Comment: This sequence change replaces threonine, which is neutral and polar, with methionine, which is neutral and non-polar, at codon 208 of the RETREG1 protein (p.Thr208Met). This variant is present in population databases (rs369276135, gnomAD 0.03%). This variant has not been reported in the literature in individuals affected with RETREG1-related conditions. ClinVar contains an entry for this variant (Variation ID: 847964). Algorithms developed to predict the effect of missense changes on protein structure and function output the following: SIFT: "Deleterious"; PolyPhen-2: "Possibly Damaging"; Align-GVGD: "Class C15". The methionine amino acid residue is found in multiple mammalian species, which suggests that this missense change does not adversely affect protein function. In summary, the available evidence is currently insufficient to determine the role of this variant in disease. Therefore, it has been classified as a Variant of Uncertain Significance.

NM_001034850.3(RETREG1):c.623C>T (p.Thr208Met)

Gene: RETREG1 (reticulophagy regulator 1; minus strand). Cytogenetic location: 5p15.1.
Variant type: single nucleotide variant.
Coding change: c.623C>T on transcript NM_001034850.3 (MANE Select); coding-DNA position 623, C replaced by T.
Protein change: p.Thr208Met; replaces threonine 208 with methionine.
Molecular consequence: missense variant.
Genome position (GRCh38, 1-based): chr5:16,481,056, G>A on the plus strand (C>T on the coding strand, the complement: RETREG1 is on the minus strand). VCF-style: chr5-16481056-G-A. GRCh37 (hg19) VCF-style: chr5-16481165-G-A.
Other names: c.200C>T, p.Thr67Met (NM_019000.5); short protein forms T208M, T67M.
Identifiers: ClinVar variation 847964 (VCV000847964.7), dbSNP rs369276135, ClinGen allele CA3210391.